The following is an entry in ClinVar:

ClinVar aggregate classification (germline): Uncertain significance (1 of 4 stars; one submission).

Conditions:
Cardiovascular phenotype. Identifiers: MedGen CN230736.

Submission:

Ambry Genetics
Classification: Uncertain significance for Cardiovascular phenotype. Last evaluated: 2023-06-14. Review status: criteria provided, single submitter. Criteria: Ambry Variant Classification Scheme 2023. Collection method: clinical testing. Allele origin: germline.
Comment: The p.I13M variant (also known as c.39C>G), located in coding exon 1 of the MAT2A gene, results from a C to G substitution at nucleotide position 39. The isoleucine at codon 13 is replaced by methionine, an amino acid with highly similar properties. This amino acid position is conserved. In addition, the in silico prediction for this alteration is inconclusive. Since supporting evidence is limited at this time, the clinical significance of this alteration remains unclear.

NM_005911.6(MAT2A):c.39C>G (p.Ile13Met)

Gene: MAT2A (methionine adenosyltransferase 2A; plus strand). Cytogenetic location: 2p11.2.
Variant type: single nucleotide variant.
Coding change: c.39C>G on transcript NM_005911.6 (MANE Select); coding-DNA position 39, C replaced by G.
Protein change: p.Ile13Met; replaces isoleucine 13 with methionine.
Molecular consequence: missense variant.
Genome position (GRCh38, 1-based): chr2:85,539,326, C>G. VCF-style: chr2-85539326-C-G. GRCh37 (hg19) VCF-style: chr2-85766449-C-G.
Other names: short protein forms I13M.
Identifiers: ClinVar variation 2563185 (VCV002563185.2), dbSNP rs776303477, ClinGen allele CA347475177.